The following is an entry in ClinVar:

ClinVar aggregate classification (germline): Uncertain significance. Review status: criteria provided, multiple submitters, no conflicts (2 of 4 stars). 2 submissions from 2 submitters: Uncertain significance (2). Last evaluated 2023-02-28.

Conditions:
Retinoblastoma (RB1). Also called: RETINOBLASTOMA, SOMATIC. Identifiers: Orphanet 790, MedGen C0035335, MeSH D012175, MONDO:0008380, OMIM 180200, HP:0009919. Disease mechanism: loss of function. Inheritance: Both sporadic and heritable forms are tested..
Hereditary cancer-predisposing syndrome. Also called: Tumor predisposition; Hereditary Cancer Syndrome; Hereditary neoplastic syndrome; Neoplastic Syndromes, Hereditary. Identifiers: Orphanet 140162, MedGen C0027672, MeSH D009386, MONDO:0015356.

Submissions (2):

Ambry Genetics
Classification: Uncertain significance for Hereditary cancer-predisposing syndrome. Last evaluated: 2023-02-28. Review status: criteria provided, single submitter. Criteria: Ambry Variant Classification Scheme 2023. Collection method: clinical testing. Allele origin: germline.
Comment: The p.V193A variant (also known as c.578T>C), located in coding exon 6 of the RB1 gene, results from a T to C substitution at nucleotide position 578. The valine at codon 193 is replaced by alanine, an amino acid with similar properties. This amino acid position is conserved. In addition, this alteration is predicted to be tolerated by in silico analysis. Since supporting evidence is limited at this time, the clinical significance of this alteration remains unclear.

Labcorp Genetics (formerly Invitae), Labcorp
Classification: Uncertain significance for Retinoblastoma. Last evaluated: 2022-07-05. Review status: criteria provided, single submitter. Criteria: Invitae Variant Classification Sherloc (09022015). Collection method: clinical testing. Allele origin: germline.
Comment: This variant has not been reported in the literature in individuals affected with RB1-related conditions. In summary, the available evidence is currently insufficient to determine the role of this variant in disease. Therefore, it has been classified as a Variant of Uncertain Significance. Algorithms developed to predict the effect of missense changes on protein structure and function (SIFT, PolyPhen-2, Align-GVGD) all suggest that this variant is likely to be tolerated. ClinVar contains an entry for this variant (Variation ID: 410953). This variant is not present in population databases (gnomAD no frequency). This sequence change replaces valine, which is neutral and non-polar, with alanine, which is neutral and non-polar, at codon 193 of the RB1 protein (p.Val193Ala).

NM_000321.3(RB1):c.578T>C (p.Val193Ala)

Gene: RB1 (RB transcriptional corepressor 1; plus strand). Cytogenetic location: 13q14.2.
Variant type: single nucleotide variant.
Coding change: c.578T>C on transcript NM_000321.3 (MANE Select); coding-DNA position 578, T replaced by C.
Protein change: p.Val193Ala; replaces valine 193 with alanine.
Molecular consequence: missense variant.
Genome position (GRCh38, 1-based): chr13:48,348,994, T>C. VCF-style: chr13-48348994-T-C. GRCh37 (hg19) VCF-style: chr13-48923130-T-C.
Other names: short protein forms V193A.
Identifiers: ClinVar variation 410953 (VCV000410953.12), dbSNP rs1060503093, ClinGen allele CA16613998.
Genomic context (GRCh38, chr13:48,348,994, plus strand): 5'-CTGCTTTCTATTTGTTTAATAGGATATCTACTGAAATAAATTCTGCATTGGTGCTAAAAG[T>C]TTCTTGGATCACATTTTTATTAGCTAAAGGTAAGTTCATTATATTTATTAAATGCTAATA-3'
Protein context (NP_000312.2, residues 183-203): TEINSALVLK[Val193Ala]SWITFLLAKG